The following is an entry in ClinVar:

ClinVar aggregate classification (germline): Uncertain significance (1 of 4 stars; one submission).

Conditions:
Paroxysmal nonkinesigenic dyskinesia. Also called: Paroxysmal non-kinesigenic dyskinesia. Identifiers: Orphanet 98810, MedGen C1869117, MONDO:0700088.

Allele frequency attached by ClinVar (database versions not stated): TOPMed 0.00001.
gnomAD v4.1: 2 of 1,614,014 alleles (0.00012%); highest among the groups gnomAD compares: East Asian, 0.0022%; no homozygotes.

Submission:

Labcorp Genetics (formerly Invitae), Labcorp
Classification: Uncertain significance for Paroxysmal nonkinesigenic dyskinesia. Last evaluated: 2023-05-08. Review status: criteria provided, single submitter. Criteria: Invitae Variant Classification Sherloc (09022015). Collection method: clinical testing. Allele origin: germline.
Comment: In summary, the available evidence is currently insufficient to determine the role of this variant in disease. Therefore, it has been classified as a Variant of Uncertain Significance. An algorithm developed to predict the effect of missense changes on protein structure and function (PolyPhen-2) suggests that this variant is likely to be tolerated. This variant has not been reported in the literature in individuals affected with PNKD-related conditions. This variant is present in population databases (no rsID available, gnomAD 0.007%). This sequence change replaces proline, which is neutral and non-polar, with leucine, which is neutral and non-polar, at codon 360 of the PNKD protein (p.Pro360Leu).

NM_015488.5(PNKD):c.1079C>T (p.Pro360Leu)

Genes: CATIP-AS2 (CATIP antisense RNA 2; minus strand), PNKD (PNKD metallo-beta-lactamase domain containing; plus strand). Cytogenetic location: 2q35.
Variant type: single nucleotide variant.
Coding change: c.1079C>T on transcript NM_015488.5 (MANE Select); coding-DNA position 1079, C replaced by T.
Protein change: p.Pro360Leu; replaces proline 360 with leucine.
Molecular consequence: missense variant.
Genome position (GRCh38, 1-based): chr2:218,344,902, C>T. VCF-style: chr2-218344902-C-T. GRCh37 (hg19) VCF-style: chr2-219209625-C-T.
Other names: c.1007C>T, p.Pro336Leu (NM_022572.5); short protein forms P336L, P360L.
Identifiers: ClinVar variation 2803485 (VCV002803485.3), dbSNP rs1302151275, ClinGen allele CA350543876.